The following is an entry in ClinVar:

ClinVar aggregate classification (germline): Pathogenic (1 of 4 stars; one submission).

Conditions:
Primary ciliary dyskinesia. Also called: Ciliary dyskinesia. Identifiers: Orphanet 244, MedGen C0008780, MONDO:0016575, HP:0012265.

Submission:

Labcorp Genetics (formerly Invitae), Labcorp
Classification: Pathogenic for Primary ciliary dyskinesia. Last evaluated: 2023-09-08. Review status: criteria provided, single submitter. Criteria: Invitae Variant Classification Sherloc (09022015). Collection method: clinical testing. Allele origin: germline.
Comment: For these reasons, this variant has been classified as Pathogenic. Algorithms developed to predict the effect of sequence changes on RNA splicing suggest that this variant may disrupt the consensus splice site. This variant has not been reported in the literature in individuals affected with DNAH11-related conditions. This variant is present in population databases (rs777360011, gnomAD 0.01%). This sequence change creates a premature translational stop signal (p.Cys515*) in the DNAH11 gene. It is expected to result in an absent or disrupted protein product. Loss-of-function variants in DNAH11 are known to be pathogenic (PMID: 18022865, 20513915, 22184204).

Literature cited by the submitters: PubMed 18022865; PubMed 20513915; PubMed 22184204.

NM_001277115.2(DNAH11):c.1544_1545del (p.Leu514_Cys515insTer)

Gene: DNAH11 (dynein axonemal heavy chain 11; plus strand). Cytogenetic location: 7p15.3.
Variant type: Deletion.
Coding change: c.1544_1545del on transcript NM_001277115.2 (MANE Select); coding-DNA positions 1544 to 1545, 2 bases deleted (GT; older notation c.1544_1545delGT).
Protein change: p.Leu514_Cys515insTer.
Molecular consequence: nonsense. On other transcripts: frameshift variant (1).
Genome position (GRCh38, 1-based): chr7:21,571,924-21,571,925, GT deleted; deleting any 2 consecutive bases within chr7:21,571,923-21,571,925 gives the same sequence; the c. name uses the placement nearest the transcript's 3' end. VCF-style (leftmost placement, unchanged base first): chr7-21571922-CTG-C. GRCh37 (hg19) VCF-style: chr7-21611540-CTG-C.
Other names: c.1544_1545delGT, p.Cys515Terfs (NM_003777.3).
Identifiers: ClinVar variation 2896218 (VCV002896218.3), dbSNP rs777360011, ClinGen allele CA4179011.
Genomic context (GRCh38, chr7:21,571,922, plus strand): 5'-TACCAAAGGAGCAATTTTAAATGGACAAGTCCACGAGATGAGTGAAGAACTTATGGAACT[CTG>C]TAAACTTTTTAAACAGAGCACTTATGACCCATCTGATTGCACTAACATGGTAATGTTGTA-3'